The following is an entry in ClinVar:

ClinVar aggregate classification (germline): Uncertain significance (1 of 4 stars; one submission).

Conditions:
ALMS1-related disorder. Also called: ALMS1-related condition.

Submission:

PreventionGenetics, part of Exact Sciences
Classification: Uncertain significance for ALMS1-related condition. Last evaluated: 2025-12-28. Review status: criteria provided, single submitter. Criteria: ACMG Guidelines, 2015. Collection method: clinical testing. Allele origin: germline.
Comment: The ALMS1 c.3847A>G variant is predicted to result in the amino acid substitution p.Thr1283Ala. To our knowledge, this variant has not been reported in the literature. This variant is reported in 0.0065% of alleles in individuals of African descent in gnomAD. At this time, the clinical significance of this variant is uncertain due to the absence of conclusive functional and genetic evidence.

NM_001378454.1(ALMS1):c.3844A>G (p.Thr1282Ala)

Gene: ALMS1 (ALMS1 centrosome and basal body associated protein; plus strand). Cytogenetic location: 2p13.1.
Variant type: single nucleotide variant.
Coding change: c.3844A>G on transcript NM_001378454.1 (MANE Select); coding-DNA position 3844, A replaced by G.
Protein change: p.Thr1282Ala; replaces threonine 1282 with alanine.
Molecular consequence: missense variant.
Genome position (GRCh38, 1-based): chr2:73,450,371, A>G. VCF-style: chr2-73450371-A-G. GRCh37 (hg19) VCF-style: chr2-73677498-A-G.
Other names: c.3847A>G, p.Thr1283Ala (NM_015120.4); short protein forms T1282A, T1283A.
Identifiers: ClinVar variation 4980820 (VCV004980820.1).